The following is an entry in ClinVar:

ClinVar aggregate classification (germline): Likely pathogenic (1 of 4 stars; one submission).

Submission:

GeneDx
Classification: Likely pathogenic. Last evaluated: 2022-07-18. Review status: criteria provided, single submitter. Criteria: GeneDx Variant Classification Process June 2021. Collection method: clinical testing. Allele origin: germline. Affected: yes.
Comment: Frameshift variant is predicted to result in protein truncation, as the last 338 amino acids are replaced with 36 different amino acids, and other loss-of-function variants have been reported downstream in HGMD; Not observed at significant frequency in large population cohorts (gnomAD); Has not been previously published as pathogenic or benign to our knowledge

NM_001040142.2(SCN2A):c.5003del (p.Phe1668fs)

Gene: SCN2A (sodium voltage-gated channel alpha subunit 2; plus strand). Cytogenetic location: 2q24.3.
Variant type: Deletion.
Coding change: c.5003del on transcript NM_001040142.2 (MANE Select); coding-DNA position 5003, one base deleted (T; older notation c.5003delT).
Protein change: p.Phe1668fs; shifts the reading frame from phenylalanine 1668.
Molecular consequence: frameshift variant.
Genome position (GRCh38, 1-based): chr2:165,388,809, T deleted; the last of 4 consecutive T bases (chr2:165,388,806-165,388,809); deleting any one gives the same sequence. VCF-style (leftmost placement, unchanged base first): chr2-165388805-CT-C. GRCh37 (hg19) VCF-style: chr2-166245315-CT-C.
Other names: c.5003del, p.Phe1668fs (NM_001040143.2, NM_001371246.1, NM_001371247.1 and 1 more transcripts); c.5003delT (NM_021007.2); short protein forms F1668fs.
Identifiers: ClinVar variation 423770 (VCV000423770.4), dbSNP rs1064796620, ClinGen allele CA16617272.